The following is an entry in ClinVar:

NM_004260.4(RECQL4):c.1003G>A (p.Gly335Ser)

Gene: RECQL4 (RecQ like helicase 4; minus strand). Cytogenetic location: 8q24.3.
Variant type: single nucleotide variant.
Coding change: c.1003G>A on transcript NM_004260.4 (MANE Select); coding-DNA position 1003, G replaced by A.
Protein change: p.Gly335Ser; replaces glycine 335 with serine.
Molecular consequence: missense variant.
Genome position (GRCh38, 1-based): chr8:144,516,116, C>T on the plus strand (G>A on the coding strand, the complement: RECQL4 is on the minus strand). VCF-style: chr8-144516116-C-T. GRCh37 (hg19) VCF-style: chr8-145741500-C-T.
Other names: short protein forms G335S.
Identifiers: ClinVar variation 1489778 (VCV001489778.6), dbSNP rs2130718181, ClinGen allele CA372688359.

ClinVar aggregate classification (germline): Uncertain significance (1 of 4 stars; one submission).

Conditions:
Baller-Gerold syndrome (BGS). Also called: CRANIOSYNOSTOSIS WITH RADIAL DEFECTS. Identifiers: Orphanet 1225, MedGen C0265308, MONDO:0009039, OMIM 218600.

Submission:

Labcorp Genetics (formerly Invitae), Labcorp
Classification: Uncertain significance for Baller-Gerold syndrome. Last evaluated: 2022-03-08. Review status: criteria provided, single submitter. Criteria: Invitae Variant Classification Sherloc (09022015). Collection method: clinical testing. Allele origin: germline.
Comment: This variant is not present in population databases (gnomAD no frequency). In summary, the available evidence is currently insufficient to determine the role of this variant in disease. Therefore, it has been classified as a Variant of Uncertain Significance. Experimental studies and prediction algorithms are not available or were not evaluated, and the functional significance of this variant is currently unknown. This variant has not been reported in the literature in individuals affected with RECQL4-related conditions. This sequence change replaces glycine, which is neutral and non-polar, with serine, which is neutral and polar, at codon 335 of the RECQL4 protein (p.Gly335Ser).